The following is an entry in ClinVar:

ClinVar aggregate classification (germline): Uncertain significance (0 of 4 stars; one submission).

Allele frequency attached by ClinVar (database versions not stated): ESP Exome Variant Server 0.00023.
gnomAD v4.1: 244 of 1,614,032 alleles (0.015%); highest among the groups gnomAD compares: Non-Finnish European, 0.019%; no homozygotes.

Submission:

Department of Pathology and Laboratory Medicine, Sinai Health System
Classification: Uncertain significance. Review status: no assertion criteria provided. Collection method: clinical testing. Allele origin: unknown. Affected: yes. Study: The Canadian Open Genetics Repository (COGR).
Comment: The RNF213 p.Glu3950Gln variant was not identified in the literature nor was it identified in ClinVar, Cosmic or LOVD 3.0. The variant was identified in dbSNP (ID: rs149449382) and was also found in control databases in 24 of 282778 chromosomes at a frequency of 0.000085 (Genome Aggregation Database Feb 27, 2017). The variant was observed in the following populations: European (non-Finnish) in 21 of 129106 chromosomes (freq: 0.000163) and African in 3 of 24960 chromosomes (freq: 0.00012), while the variant was not observed in the Latino, Ashkenazi Jewish, East Asian, European (Finnish), Other and South Asian populations. The variant occurs outside of the splicing consensus sequence and in silico or computational prediction software programs (SpliceSiteFinder, MaxEntScan, NNSPLICE, GeneSplicer) do not predict a difference in splicing. The p.Glu3950 residue is not conserved in mammals and computational analyses (PolyPhen-2, SIFT, AlignGVGD, BLOSUM, MutationTaster) do not suggest a high likelihood of impact to the protein; however, this information is not predictive enough to rule out pathogenicity. In summary, based on the above information the clinical significance of this variant cannot be determined with certainty at this time. This variant is classified as a variant of uncertain significance.

NM_001256071.3(RNF213):c.11848G>C (p.Glu3950Gln)

Genes: RNF213 (ring finger protein 213; plus strand), RNF213-AS1 (RNF213 antisense RNA 1; minus strand). Cytogenetic location: 17q25.3.
Variant type: single nucleotide variant.
Coding change: c.11848G>C on transcript NM_001256071.3 (MANE Select); coding-DNA position 11848, G replaced by C.
Protein change: p.Glu3950Gln; replaces glutamic acid 3950 with glutamine.
Molecular consequence: missense variant.
Genome position (GRCh38, 1-based): chr17:80,364,530, G>C. VCF-style: chr17-80364530-G-C. GRCh37 (hg19) VCF-style: chr17-78338330-G-C.
Other names: short protein forms E3950Q.
Identifiers: ClinVar variation 1050762 (VCV001050762.1), dbSNP rs149449382, ClinGen allele CA8821978.
Genomic context (GRCh38, chr17:80,364,530, plus strand): 5'-GTGGAGCACGTGCTCCTAGGAACCGAGAGCCGCGTCCCCGAGTTACAGGGGCTGGTGACC[G>C]AGCACGTCTTCTTACTAGACAAGGTGAGTACTTGGGCTGGCCTCAGCACATGCACGGATC-3'
Protein context (NP_001243000.2, residues 3940-3960): RVPELQGLVT[Glu3950Gln]HVFLLDKCLR